The following is an entry in ClinVar:

ClinVar aggregate classification (germline): Likely pathogenic (1 of 4 stars; one submission).

Conditions:
Combined oxidative phosphorylation deficiency 55 (COXPD55). Identifiers: MedGen C5676915, MONDO:0859228, OMIM 619743.

Submission:

Diagnostics Services (NGS), CSIR - Centre For Cellular And Molecular Biology
Classification: Likely pathogenic for Combined oxidative phosphorylation deficiency 55. Last evaluated: 2026-08-24. Review status: criteria provided, single submitter. Criteria: ACMG Guidelines, 2015. Collection method: clinical testing. Allele origin: germline. Observed: 1 variant allele, 1 heterozygote.
Comment: The c.3330_3333dup variant is not present in 1000 Genomes, EVS, gnomAD, Indian Exome Database, GenomeIndia Database or in our internal database. This variant has neither been published in the literature for POLRMT-related conditions nor reported to the HGMD, ClinVar or OMIM, databases in any affected individuals. In-silico pathogenicity prediction programs like MutationTaster2, CADD, Franklin, Varsome etc., predicted this variant to be likely deleterious. This variant causes a frameshift at the 1112th amino acid position of the wild-type transcript which creates a premature translational stop signal at the altered transcript, that may either result in translation of a truncated protein or cause nonsense mediated decay of the mRNA.

NM_005035.4(POLRMT):c.3330_3333dup (p.Thr1112fs)

Gene: POLRMT (RNA polymerase mitochondrial; minus strand). Cytogenetic location: 19p13.3.
Variant type: Duplication.
Coding change: c.3330_3333dup on transcript NM_005035.4 (MANE Select); coding-DNA positions 3330 to 3333, 4 bases duplicated (CAAC; older notation c.3330_3333dupCAAC).
Protein change: p.Thr1112fs; shifts the reading frame from threonine 1112.
Molecular consequence: frameshift variant. On other transcripts: non-coding transcript variant (1), intron variant (2).
Genome position (GRCh38, 1-based): chr19:618,577-618,580, GTTG duplicated on the plus strand (CAAC on the coding strand, the reverse complement: POLRMT is on the minus strand); duplicating any 4 consecutive bases within chr19:618,577-618,581 gives the same sequence; the c. name uses the placement nearest the transcript's 3' end. VCF-style (leftmost placement, unchanged base first): chr19-618576-T-TGTTG. GRCh37 (hg19) VCF-style: chr19-618576-T-TGTTG.
Other names: c.3288_3291dup, p.Thr1098fs (NM_001407813.1, NM_001407811.1); c.3252_3255dup, p.Thr1086fs (NM_001407814.1, NM_001407815.1); c.3207_3210dup, p.Thr1071fs (NM_001407829.1); c.3105_3108dup, p.Thr1037fs (NM_001407830.1); c.3006_3009dup, p.Thr1004fs (NM_001407831.1, NM_001407833.1); c.2997_3000dup, p.Thr1001fs (NM_001407834.1); c.2967_2970dup, p.Thr991fs (NM_001407835.1); c.2928_2931dup, p.Thr978fs (NM_001407836.1); and 7 more; short protein forms T1001fs, T1004fs, T1037fs, T1071fs, T1086fs, T1098fs, T1099fs, T1108fs.
Identifiers: ClinVar variation 4974995 (VCV004974995.1).